The following is an entry in ClinVar:

ClinVar aggregate classification (germline): Uncertain significance (1 of 4 stars; one submission).

Allele frequency attached by ClinVar (database versions not stated): gnomAD 0.00001; ExAC 0.00002; gnomAD exomes 0.00003; ESP Exome Variant Server 0.00008.
gnomAD v4.1: 46 of 1,614,092 alleles (0.0028%); highest among the groups gnomAD compares: Non-Finnish European, 0.0037%; no homozygotes.

Submission:

Mayo Clinic Laboratories, Mayo Clinic
Classification: Uncertain significance. Last evaluated: 2022-10-27. Review status: criteria provided, single submitter. Criteria: ACMG Guidelines, 2015. Collection method: clinical testing. Allele origin: germline. Observed: 1 variant allele.
Comment: BP4, PM2

NM_015346.4(ZFYVE26):c.6463A>G (p.Met2155Val)

Gene: ZFYVE26 (zinc finger FYVE-type containing 26; minus strand). Cytogenetic location: 14q24.1.
Variant type: single nucleotide variant.
Coding change: c.6463A>G on transcript NM_015346.4 (MANE Select); coding-DNA position 6463, A replaced by G.
Protein change: p.Met2155Val; replaces methionine 2155 with valine.
Molecular consequence: missense variant.
Genome position (GRCh38, 1-based): chr14:67,761,491, T>C on the plus strand (A>G on the coding strand, the complement: ZFYVE26 is on the minus strand). VCF-style: chr14-67761491-T-C. GRCh37 (hg19) VCF-style: chr14-68228208-T-C.
Other names: p.Met2155Val; short protein forms M2155V.
Identifiers: ClinVar variation 2683266 (VCV002683266.1), dbSNP rs370987417, ClinGen allele CA7239217.